The following is an entry in ClinVar:

ClinVar aggregate classification (germline): Uncertain significance (1 of 4 stars; one submission).

Conditions:
Familial thoracic aortic aneurysm and aortic dissection (TAAD). Also called: Thoracic aortic aneurysms and dissections. Identifiers: Orphanet 91387, MedGen C4707243, MONDO:0019625.

Submission:

Ambry Genetics
Classification: Uncertain significance for Familial thoracic aortic aneurysm and aortic dissection. Last evaluated: 2026-05-28. Review status: criteria provided, single submitter. Criteria: Ambry Variant Classification Scheme 2023. Collection method: clinical testing. Allele origin: germline.
Comment: The p.S2288P variant (also known as c.6862T>C), located in coding exon 34 of the NOTCH1 gene, results from a T to C substitution at nucleotide position 6862. The serine at codon 2288 is replaced by proline, an amino acid with similar properties. This amino acid position is conserved. In addition, this alteration is predicted to be tolerated by in silico analysis. Based on the available evidence, the clinical significance of this variant remains unclear.

NM_017617.5(NOTCH1):c.6862T>C (p.Ser2288Pro)

Gene: NOTCH1 (notch receptor 1; minus strand). Cytogenetic location: 9q34.3.
Variant type: single nucleotide variant.
Coding change: c.6862T>C on transcript NM_017617.5 (MANE Select); coding-DNA position 6862, T replaced by C.
Protein change: p.Ser2288Pro; replaces serine 2288 with proline.
Molecular consequence: missense variant.
Genome position (GRCh38, 1-based): chr9:136,496,877, A>G on the plus strand (T>C on the coding strand, the complement: NOTCH1 is on the minus strand). VCF-style: chr9-136496877-A-G. GRCh37 (hg19) VCF-style: chr9-139391329-A-G.
Other names: short protein forms S2288P.
Identifiers: ClinVar variation 4861121 (VCV004861121.1).